The following is an entry in ClinVar:

ClinVar aggregate classification (germline): Uncertain significance. Review status: criteria provided, multiple submitters, no conflicts (2 of 4 stars). 2 submissions from 2 submitters: Uncertain significance (2). Last evaluated 2024-06-21.

Conditions:
Hereditary cancer-predisposing syndrome. Also called: Tumor predisposition; Hereditary neoplastic syndrome; Hereditary Cancer Syndrome; Neoplastic Syndromes, Hereditary. Identifiers: Orphanet 140162, MedGen C0027672, MeSH D009386, MONDO:0015356.

Allele frequency attached by ClinVar (database versions not stated): gnomAD exomes below 0.00001 and 0.00001; ExAC 0.00001.
gnomAD v4.1: 2 of 1,613,338 alleles (0.00012%); highest among the groups gnomAD compares: Admixed American, 0.0033%; no homozygotes.

Submissions (2):

Ambry Genetics
Classification: Uncertain significance for Hereditary cancer-predisposing syndrome. Last evaluated: 2024-06-21. Review status: criteria provided, single submitter. Criteria: Ambry Variant Classification Scheme 2023. Collection method: clinical testing. Allele origin: germline.
Comment: The p.H819R variant (also known as c.2456A>G), located in coding exon 18 of the MSH3 gene, results from an A to G substitution at nucleotide position 2456. The histidine at codon 819 is replaced by arginine, an amino acid with highly similar properties. This amino acid position is not well conserved in available vertebrate species. In addition, the in silico prediction for this alteration is inconclusive. Based on the available evidence, the clinical significance of this variant remains unclear. Based on the available evidence, the clinical significance of this variant remains unclear.

Labcorp Genetics (formerly Invitae), Labcorp
Classification: Uncertain significance. Last evaluated: 2023-02-22. Review status: criteria provided, single submitter. Criteria: Invitae Variant Classification Sherloc (09022015). Collection method: clinical testing. Allele origin: germline.
Comment: In summary, the available evidence is currently insufficient to determine the role of this variant in disease. Therefore, it has been classified as a Variant of Uncertain Significance. An algorithm developed to predict the effect of missense changes on protein structure and function (PolyPhen-2) suggests that this variant is likely to be tolerated. ClinVar contains an entry for this variant (Variation ID: 1461541). This variant has not been reported in the literature in individuals affected with MSH3-related conditions. This variant is present in population databases (rs776124290, gnomAD 0.006%). This sequence change replaces histidine, which is basic and polar, with arginine, which is basic and polar, at codon 819 of the MSH3 protein (p.His819Arg).

NM_002439.5(MSH3):c.2456A>G (p.His819Arg)

Gene: MSH3 (mutS homolog 3; plus strand). Cytogenetic location: 5q14.1.
Variant type: single nucleotide variant.
Coding change: c.2456A>G on transcript NM_002439.5 (MANE Select); coding-DNA position 2456, A replaced by G.
Protein change: p.His819Arg; replaces histidine 819 with arginine.
Molecular consequence: missense variant.
Genome position (GRCh38, 1-based): chr5:80,787,585, A>G. VCF-style: chr5-80787585-A-G. GRCh37 (hg19) VCF-style: chr5-80083404-A-G.
Other names: short protein forms H819R.
Identifiers: ClinVar variation 1461541 (VCV001461541.11), dbSNP rs776124290, ClinGen allele CA3328264.
Genomic context (GRCh38, chr5:80,787,585, plus strand): 5'-CAGTTTGCTCACCTTTTTGTTGTTGCTGCTGCTTCCGTAGGAAATTCAGTGAACATTATC[A>G]CTCCTTGTGTAAAGCAGTGCATCACCTAGCAACTGTTGACTGCATTTTCTCCCTGGCCAA-3'
Protein context (NP_002430.3, residues 809-829): DFLEKFSEHY[His819Arg]SLCKAVHHLA